The following is an entry in ClinVar:

NC_000001.10:g.(?_989123)_(3160711_?)del

Genes: CPTP (ceramide-1-phosphate transfer protein; plus strand), DVL1 (dishevelled segment polarity protein 1; minus strand), MIR429 (microRNA 429; plus strand), MMEL1 (membrane metalloendopeptidase like 1; minus strand), MMP23B (matrix metallopeptidase 23B; plus strand) and 55 more. Cytogenetic location: 1p36.33-36.32.
Variant type: Deletion.
Identifiers: ClinVar variation 1449306 (VCV001449306.6).

ClinVar aggregate classification (germline): Uncertain significance (1 of 4 stars; one submission).

Conditions:
Left ventricular noncompaction 8 (LVNC8). Identifiers: Orphanet 154, Orphanet 54260, MedGen C3809288, MONDO:0014152, OMIM 615373.

Submission:

Labcorp Genetics (formerly Invitae), Labcorp
Classification: Uncertain significance for Left ventricular noncompaction 8. Last evaluated: 2022-03-08. Review status: criteria provided, single submitter. Criteria: Invitae Variant Classification Sherloc (09022015). Collection method: clinical testing. Allele origin: germline.
Comment: In summary, the available evidence is currently insufficient to determine the role of this variant in disease. Therefore, it has been classified as a Variant of Uncertain Significance. This variant has not been reported in the literature in individuals affected with PRDM16-related conditions. This sequence change is a complex rearrangement involving the PRDM16 gene. Although the exact nature of the event is unknown, it involves copy number gains and/or losses across much of the gene. The effect on the surrounding sequence is also uncertain.